The following is an entry in ClinVar:

NC_000009.12:g.35658042T>C

Gene: RMRP (RNA component of mitochondrial RNA processing endoribonuclease; minus strand). Cytogenetic location: 9p13.3.
Variant type: single nucleotide variant.
Genome position: GRCh38 VCF-style: chr9-35658042-T-C. GRCh37 (hg19) VCF-style: chr9-35658039-T-C.
Identifiers: ClinVar variation 703523 (VCV000703523.38), dbSNP rs529852688, ClinGen allele CA5045894.
Genomic context (GRCh38, chr9:35,658,042, plus strand): 5'-AGTGTGTAGCCTAGGATACAGGCCTTCAGCACGAACCACGTCCTCAGCTTCACAGAGTAG[T>C]ATTTTATAGCCCTAAAGAAATTGTGTTTTATGATTAGGGTGAGAAAGTTGGTGGCGTGAG-3'

ClinVar aggregate classification (germline): Conflicting classifications of pathogenicity. Review status: criteria provided, conflicting classifications (1 of 4 stars). 5 submissions from 5 submitters: Uncertain significance (1); Benign (1); Likely benign (1). 2 of the submissions do not count toward it. Last evaluated 2026-02-02.

Conditions:
Anauxetic dysplasia 1 (ANXD1). Also called: Anauxetic Dysplasia (AD). Identifiers: Orphanet 93347, MedGen C4551965, MONDO:0054560, OMIM 607095.
Metaphyseal chondrodysplasia, McKusick type (CHH). Also called: Cartilage-Hair Hypoplasia (CHH); Cartilage-hair hypoplasia. Identifiers: Orphanet 175, MedGen C0220748, MONDO:0009595, OMIM 250250.
Metaphyseal dysplasia without hypotrichosis. Also called: Metaphyseal Dysplasia without Hypotrichosis (MDWH); CARTILAGE-HAIR HYPOPLASIA VARIANT, SKELETAL MANIFESTATIONS ONLY; CARTILAGE-HAIR HYPOPLASIA-LIKE SKELETAL DYSPLASIA WITHOUT HYPOTRICHOSIS OR IMMUNODEFICIENCY. Identifiers: MedGen C1834821, MONDO:0009601, OMIM 250460.
RMRP-related disorder. Also called: RMRP-related condition.
Anauxetic dysplasia. Identifiers: Orphanet 93347, MedGen C1846796, MONDO:0011773.

Allele frequency attached by ClinVar (database versions not stated): 1000 Genomes Project 0.00080; TOPMed 0.00114; 1000 Genomes Project 30x 0.00078; ExAC 0.00424.

Submissions (5):

Labcorp Genetics (formerly Invitae), Labcorp
Classification: Benign for Anauxetic dysplasia. Last evaluated: 2026-02-02. Review status: criteria provided, single submitter. Criteria: Invitae Variant Classification Sherloc (09022015). Collection method: clinical testing. Allele origin: germline.

GeneDx
Classification: Uncertain significance. Last evaluated: 2025-09-11. Review status: criteria provided, single submitter. Criteria: GeneDx Variant Classification Process June 2021. Collection method: clinical testing. Allele origin: germline. Affected: yes.
Comment: Located in a non-coding RNA; In the absence of RNA/functional studies, the actual effect of this sequence change is unknown; Has not been previously published as pathogenic or benign to our knowledge

Fulgent Genetics
Classification: Likely benign for Metaphyseal chondrodysplasia, McKusick type; Metaphyseal dysplasia without hypotrichosis; Anauxetic dysplasia 1. Last evaluated: 2021-07-03. Review status: criteria provided, single submitter. Criteria: ACMG Guidelines, 2015. Collection method: clinical testing. Allele origin: unknown.

PreventionGenetics, part of Exact Sciences
Classification: Likely benign for RMRP-related condition. Last evaluated: 2023-02-18. Review status: no assertion criteria provided. Collection method: clinical testing. Allele origin: germline. Not counted in ClinVar's aggregate classification.
Comment: This variant is classified as likely benign based on ACMG/AMP sequence variant interpretation guidelines (Richards et al. 2015 PMID: 25741868, with internal and published modifications).

Natera, Inc.
Classification: Likely benign for Cartilage-hair hypoplasia. Last evaluated: 2020-07-22. Review status: no assertion criteria provided. Collection method: clinical testing. Allele origin: germline. Not counted in ClinVar's aggregate classification.